The following is an entry in ClinVar:

NM_003418.5(CNBP):c.-14-926_-14-909del

Genes: CNBP (CCHC-type zinc finger nucleic acid binding protein; minus strand), LOC108644431 (myotonic dystrophy type 2 repeat instability region; plus strand). Cytogenetic location: 3q21.3.
Variant type: Deletion.
Coding change: c.-14-926_-14-909del on transcript NM_003418.5 (MANE Select); 926 bases into the intron before 14 bases upstream of the start codon through 909 bases into the intron before 14 bases upstream of the start codon, 18 bases deleted (GTCTGTCTGTCTGTCTGT).
Molecular consequence: intron variant.
Genome position (GRCh38, 1-based): chr3:129,172,680-129,172,697, ACAGACAGACAGACAGAC deleted on the plus strand (GTCTGTCTGTCTGTCTGT on the coding strand, the reverse complement: CNBP is on the minus strand); deleting any 18 consecutive bases within chr3:129,172,680-129,172,700 gives the same sequence; the c. name uses the placement nearest the transcript's 3' end. VCF-style (leftmost placement, unchanged base first): chr3-129172679-GACAGACAGACAGACAGAC-G. GRCh37 (hg19) VCF-style: chr3-128891522-GACAGACAGACAGACAGAC-G.
Other names: c.-14-926_-14-909del (NM_001127196.2, NM_001127195.2, NM_001127194.2 and 2 more transcripts).
Identifiers: ClinVar variation 4988822 (VCV004988822.1).

ClinVar aggregate classification (germline): Likely benign (1 of 4 stars; one submission).

Conditions:
CNBP-related disorder. Also called: CNBP-related condition.

Submission:

PreventionGenetics, part of Exact Sciences
Classification: Likely benign for CNBP-related condition. Last evaluated: 2026-02-06. Review status: criteria provided, single submitter. Criteria: ACMG Guidelines, 2015. Collection method: clinical testing. Allele origin: germline.
Comment: This variant is classified as likely benign based on ACMG/AMP sequence variant interpretation guidelines (Richards et al. 2015 PMID: 25741868, with internal and published modifications).